The following is an entry in ClinVar:

NC_000022.10:g.(?_32188711)_(32205653_?)del

Gene: DEPDC5 (DEP domain containing 5, GATOR1 subcomplex subunit; plus strand). Cytogenetic location: 22q12.2-12.3.
Variant type: Deletion.
Identifiers: ClinVar variation 3247820 (VCV003247820.1).

ClinVar aggregate classification (germline): Uncertain significance (1 of 4 stars; one submission).

Conditions:
Familial focal epilepsy with variable foci (FPEVF). Identifiers: Orphanet 98820, MedGen C1858477, MONDO:0020310.

Submission:

Labcorp Genetics (formerly Invitae), Labcorp
Classification: Uncertain significance for Familial focal epilepsy with variable foci. Last evaluated: 2023-03-03. Review status: criteria provided, single submitter. Criteria: Invitae Variant Classification Sherloc (09022015). Collection method: clinical testing. Allele origin: unknown.
Comment: This variant is a gross deletion of the genomic region encompassing exon(s) 12-19 of the DEPDC5 gene. This variant would be expected to be in-frame, preserving the integrity of the reading frame. A similar copy number variant has been observed in individual(s) with clinical features of familial focal epilepsy with variable foci (Invitae). This variant disrupts a region of the DEPDC5 protein in which other variant(s) (p.Tyr281Phe or deletion (Exon 14)) have been observed in individuals with DEPDC5-related conditions (PMID: 27066554; Invitae). This suggests that this is a clinically significant region of the protein, and that variants that disrupt it are likely to be disease-causing. In summary, the available evidence is currently insufficient to determine the role of this variant in disease. Therefore, it has been classified as a Variant of Uncertain Significance.

Literature cited by the submitters: PubMed 27066554.